The following is an entry in ClinVar:

NM_000051.4(ATM):c.2572_2573insGGATCAGTCATCCATGAATCTATTTAACGAAGTGGAAATCTAATGGAGGTGGAGGATCAGTCATCCATGAATCTAT (p.Phe858delinsTrpIleSerHisProTer)

Gene: ATM (ATM serine/threonine kinase; plus strand). Cytogenetic location: 11q22.3.
Variant type: Insertion.
Coding change: c.2572_2573insGGATCAGTCATCCATGAATCTATTTAACGAAGTGGAAATCTAATGGAGGTGGAGGATCAGTCATCCATGAATCTAT on transcript NM_000051.4 (MANE Select); coding-DNA positions 2572 to 2573, GGATCAGTCATCCATGAATCTATTTAACGAAGTGGAAATCTAATGGAGGTGGAGGATCAGTCATCCATGAATCTAT inserted.
Protein change: p.Phe858delinsTrpIleSerHisProTer.
Molecular consequence: nonsense.
Genome position: GRCh38: chr11:108,267,276-108,267,277. GRCh37 (hg19): chr11:108,138,003-108,138,004.
Other names: c.2572_2573insGGATCAGTCATCCATGAATCTATTTAACGAAGTGGAAATCTAATGGAGGTGGAGGATCAGTCATCCATGAATCTAT, p.Phe858delinsTrpIleSerHisProTer (NM_001351834.2).
Identifiers: ClinVar variation 2830015 (VCV002830015.3), dbSNP rs2497592973, ClinGen allele CA2739270941.

ClinVar aggregate classification (germline): Pathogenic (1 of 4 stars; one submission).

Conditions:
Ataxia-telangiectasia syndrome (AT). Also called: LOUIS-BAR SYNDROME; Ataxia-telangiectasia, complementation group D; ATAXIA-TELANGIECTASIA, COMPLEMENTATION GROUP A; ATAXIA-TELANGIECTASIA, FRESNO VARIANT; Ataxia-telangiectasia; Ataxia telangiectasia (A-T). Identifiers: Orphanet 100, MedGen C0004135, MONDO:0008840, OMIM 208900.

Submission:

Labcorp Genetics (formerly Invitae), Labcorp
Classification: Pathogenic for Ataxia-telangiectasia syndrome. Last evaluated: 2023-01-19. Review status: criteria provided, single submitter. Criteria: Invitae Variant Classification Sherloc (09022015). Collection method: clinical testing. Allele origin: germline.
Comment: For these reasons, this variant has been classified as Pathogenic. This variant has not been reported in the literature in individuals affected with ATM-related conditions. This sequence change creates a premature translational stop signal (p.Phe858Trpfs*6) in the ATM gene. It is expected to result in an absent or disrupted protein product. Loss-of-function variants in ATM are known to be pathogenic (PMID: 23807571, 25614872). This variant is not present in population databases (gnomAD no frequency).

Literature cited by the submitters: PubMed 23807571; PubMed 25614872.